The following is an entry in ClinVar:

NM_006721.4(ADK):c.79T>C (p.Phe27Leu)

Gene: ADK (adenosine kinase; plus strand). Cytogenetic location: 10q22.2.
Variant type: single nucleotide variant.
Coding change: c.79T>C on transcript NM_006721.4 (MANE Select); coding-DNA position 79, T replaced by C.
Protein change: p.Phe27Leu; replaces phenylalanine 27 with leucine.
Molecular consequence: missense variant.
Genome position (GRCh38, 1-based): chr10:74,200,777, T>C. VCF-style: chr10-74200777-T-C. GRCh37 (hg19) VCF-style: chr10-75960535-T-C.
Other names: c.28T>C, p.Phe10Leu (NM_001123.4, NM_001202449.2, NM_001369124.1); c.79T>C, p.Phe27Leu (NM_001202450.2, NM_001369123.1); short protein forms F10L, F27L.
Identifiers: ClinVar variation 3376384 (VCV003376384.1).

ClinVar aggregate classification (germline): Uncertain significance (1 of 4 stars; one submission).

Conditions:
Adenosine kinase deficiency. Also called: Hypermethioninemia due to adenosine kinase deficiency; MENTAL RETARDATION, AUTOSOMAL RECESSIVE 8. Identifiers: Orphanet 289290, Orphanet 88616, MedGen C4706555, MONDO:0100255, OMIM 614300.

gnomAD v4.1: 32 of 1,610,670 alleles (0.002%); highest among the groups gnomAD compares: African/African-American, 0.0027%; no homozygotes.

Submission:

Pittsburgh Clinical Genomics Laboratory, University of Pittsburgh Medical Center
Classification: Uncertain significance for Adenosine kinase deficiency. Last evaluated: 2024-01-22. Review status: criteria provided, single submitter. Criteria: ACMG Guidelines, 2015. Collection method: clinical testing. Allele origin: germline. Inheritance: Autosomal recessive inheritance. Affected: yes.
Comment: This sequence variant is a single nucleotide substitution (T>C) at position 79 of the coding sequence of the ADK gene that results in a phenylalanine to leucine amino acid change at residue 27 of the adenosine kinase protein. Residue 27 falls in the kinase domain of the protein (UniProt). This variant is absent from ClinVar and has not been observed in individuals affected by an ADK-related disorder in the published literature, to our knowledge. This variant is present in 32 of 1610670 alleles (0.0020%) in the gnomAD v4.0.0 population dataset. Bioinformatic tools are inconclusive if this amino acid change will be damaging or tolerated, and the Phe27 residue at this position is highly conserved across the vertebrate species examined. Studies examining the functional consequence of this variant have not been published, to our knowledge. At this time, there is insufficient evidence to determine if this variant is pathogenic or benign. Therefore, we consider this a variant of uncertain significance. ACMG Criteria: PM2